The following is an entry in ClinVar:

ClinVar aggregate classification (germline): Uncertain significance (1 of 4 stars; one submission).

Allele frequency attached by ClinVar (database versions not stated): gnomAD exomes below 0.00001; TOPMed below 0.00001.
gnomAD v4.1: 3 of 1,613,978 alleles (0.00019%); highest among the groups gnomAD compares: Non-Finnish European, 0.000085%; no homozygotes.

Submission:

Labcorp Genetics (formerly Invitae), Labcorp
Classification: Uncertain significance. Last evaluated: 2022-03-11. Review status: criteria provided, single submitter. Criteria: Invitae Variant Classification Sherloc (09022015). Collection method: clinical testing. Allele origin: germline.
Comment: This variant is present in population databases (no rsID available, gnomAD no frequency). This sequence change replaces alanine, which is neutral and non-polar, with valine, which is neutral and non-polar, at codon 693 of the CRB2 protein (p.Ala693Val). This variant has not been reported in the literature in individuals affected with CRB2-related conditions. ClinVar contains an entry for this variant (Variation ID: 1005622). Advanced modeling of protein sequence and biophysical properties (such as structural, functional, and spatial information, amino acid conservation, physicochemical variation, residue mobility, and thermodynamic stability) performed at Invitae indicates that this missense variant is not expected to disrupt CRB2 protein function. In summary, the available evidence is currently insufficient to determine the role of this variant in disease. Therefore, it has been classified as a Variant of Uncertain Significance.

NM_173689.7(CRB2):c.2078C>T (p.Ala693Val)

Gene: CRB2 (crumbs cell polarity complex component 2; plus strand). Cytogenetic location: 9q33.3.
Variant type: single nucleotide variant.
Coding change: c.2078C>T on transcript NM_173689.7 (MANE Select); coding-DNA position 2078, C replaced by T.
Protein change: p.Ala693Val; replaces alanine 693 with valine.
Molecular consequence: missense variant. On other transcripts: non-coding transcript variant (1).
Genome position (GRCh38, 1-based): chr9:123,371,220, C>T. VCF-style: chr9-123371220-C-T. GRCh37 (hg19) VCF-style: chr9-126133499-C-T.
Other names: short protein forms A693V.
Identifiers: ClinVar variation 1005622 (VCV001005622.8), dbSNP rs1391646509, ClinGen allele CA374865056.
Genomic context (GRCh38, chr9:123,371,220, plus strand): 5'-CTTTCCTTCTCCGCACTCGGGAGTCCGCTGGCCTGTTGCTCCAGTTTGCCAATGACTCCG[C>T]AGCTGGCCTAACAGTATTCCTGAGTGAGGGTCGGATCCGGGCTGAGGTGCCGGGCAGTCC-3'
Protein context (NP_775960.4, residues 683-703): GLLLQFANDS[Ala693Val]AGLTVFLSEG